The following is an entry in ClinVar:

NM_001128228.3(TPRN):c.571G>A (p.Ala191Thr)

Gene: TPRN (taperin; minus strand). Cytogenetic location: 9q34.3.
Variant type: single nucleotide variant.
Coding change: c.571G>A on transcript NM_001128228.3 (MANE Select); coding-DNA position 571, G replaced by A.
Protein change: p.Ala191Thr; replaces alanine 191 with threonine.
Molecular consequence: missense variant.
Genome position (GRCh38, 1-based): chr9:137,200,141, C>T on the plus strand (G>A on the coding strand, the complement: TPRN is on the minus strand). VCF-style: chr9-137200141-C-T. GRCh37 (hg19) VCF-style: chr9-140094593-C-T.
Other names: short protein forms A191T.
Identifiers: ClinVar variation 3181632 (VCV003181632.4), dbSNP rs1237897972, ClinGen allele CA375781852.

ClinVar aggregate classification (germline): Conflicting classifications of pathogenicity. Review status: criteria provided, conflicting classifications (1 of 4 stars). 4 submissions from 4 submitters: Uncertain significance (3); Likely benign (1). Last evaluated 2025-05-19.

Conditions:
Inborn genetic diseases. Identifiers: MedGen C0950123, MeSH D030342.

Allele frequency attached by ClinVar (database versions not stated): TOPMed 0.00008; gnomAD 0.00010; 1000 Genomes Project 30x 0.00031.

Submissions (4):

Labcorp Genetics (formerly Invitae), Labcorp
Classification: Likely benign. Last evaluated: 2025-05-19. Review status: criteria provided, single submitter. Criteria: Invitae Variant Classification Sherloc (09022015). Collection method: clinical testing. Allele origin: germline.

GeneDx
Classification: Uncertain significance. Last evaluated: 2024-12-09. Review status: criteria provided, single submitter. Criteria: GeneDx Variant Classification Process June 2021. Collection method: clinical testing. Allele origin: germline. Affected: yes.
Comment: In silico analysis indicates that this missense variant does not alter protein structure/function; Has not been previously published as pathogenic or benign to our knowledge

Ambry Genetics
Classification: Uncertain significance for Inborn genetic diseases. Last evaluated: 2023-10-14. Review status: criteria provided, single submitter. Criteria: Ambry Variant Classification Scheme 2023. Collection method: clinical testing. Allele origin: germline.

Blueprint Genetics
Classification: Uncertain significance. Last evaluated: 2023-05-12. Review status: criteria provided, single submitter. Criteria: ACMG Guidelines, 2015. Collection method: clinical testing. Allele origin: germline.